The following is an entry in ClinVar:

NM_000182.5(HADHA):c.182dup (p.Asn62fs)

Gene: HADHA (hydroxyacyl-CoA dehydrogenase trifunctional multienzyme complex subunit alpha; minus strand). Cytogenetic location: 2p23.3.
Variant type: Duplication.
Coding change: c.182dup on transcript NM_000182.5 (MANE Select); coding-DNA position 182, one base duplicated (T; older notation c.182dupT).
Protein change: p.Asn62fs; shifts the reading frame from asparagine 62.
Molecular consequence: frameshift variant.
Genome position (GRCh38, 1-based): chr2:26,236,987, A duplicated on the plus strand (T on the coding strand, the reverse complement: HADHA is on the minus strand). VCF-style (leftmost placement, unchanged base first): chr2-26236986-T-TA. GRCh37 (hg19) VCF-style: chr2-26459854-T-TA.
Other names: short protein forms N62fs.
Identifiers: ClinVar variation 5012363 (VCV005012363.1).

ClinVar aggregate classification (germline): Pathogenic (1 of 4 stars; one submission).

Conditions:
Long chain 3-hydroxyacyl-CoA dehydrogenase deficiency. Also called: Deficiency of long-chain 3-hydroxyacyl-coenzyme A dehydrogenase; LCHAD Deficiency. Identifiers: Orphanet 5, MedGen C3711645, MONDO:0012173, OMIM 609016.

Submission:

Myriad Genetics, Inc.
Classification: Pathogenic for Long chain 3-hydroxyacyl-CoA dehydrogenase deficiency. Last evaluated: 2023-10-05. Review status: criteria provided, single submitter. Criteria: Myriad Autosomal Dominant, Autosomal Recessive and X-Linked Classification Criteria (2023). Collection method: clinical testing. Allele origin: unknown.
Comment: NM_000182.4(HADHA):c.182dupT(N62Kfs*5) is expected to be pathogenic in the context of HADHA-related disorders. This variant is predicted to lead to an abnormal or absent protein product due to the creation of a premature termination codon in HADHA, a gene where loss-of-function variants are known to be pathogenic. Please note: this variant was assessed in the context of healthy population screening.